The following is an entry in ClinVar:

ClinVar aggregate classification (germline): Benign/Likely benign. Review status: criteria provided, multiple submitters, no conflicts (2 of 4 stars). 5 submissions from 5 submitters: Benign (1); Likely benign (4). Last evaluated 2025-10-28.

Conditions:
Juvenile polyposis syndrome (JPS). Identifiers: Orphanet 2929, MedGen C0345893, MONDO:0017380, OMIM 174900.
Hereditary cancer-predisposing syndrome. Also called: Hereditary neoplastic syndrome; Neoplastic Syndromes, Hereditary; Tumor predisposition; Hereditary Cancer Syndrome. Identifiers: Orphanet 140162, MedGen C0027672, MeSH D009386, MONDO:0015356.

Allele frequency attached by ClinVar (database versions not stated): gnomAD exomes below 0.00001; TOPMed below 0.00001; gnomAD 0.00001.
gnomAD v4.1: 4 of 1,614,090 alleles (0.00025%); highest among the groups gnomAD compares: Non-Finnish European, 0.00034%; no homozygotes.

Submissions (5):

Labcorp Genetics (formerly Invitae), Labcorp
Classification: Likely benign for Juvenile polyposis syndrome. Last evaluated: 2025-10-28. Review status: criteria provided, single submitter. Criteria: Invitae Variant Classification Sherloc (09022015). Collection method: clinical testing. Allele origin: germline.

Myriad Genetics, Inc.
Classification: Benign for Juvenile polyposis syndrome. Last evaluated: 2024-08-08. Review status: criteria provided, single submitter. Criteria: Myriad Autosomal Dominant, Autosomal Recessive and X-Linked Classification Criteria (2023). Collection method: clinical testing. Allele origin: unknown.
Comment: This variant is considered benign. This variant is a silent/synonymous amino acid change and it is not expected to impact splicing.

All of Us Research Program, National Institutes of Health
Classification: Likely benign for Juvenile polyposis syndrome. Last evaluated: 2024-02-05. Review status: criteria provided, single submitter. Criteria: ACMG Guidelines, 2015. Collection method: clinical testing. Allele origin: germline. Inheritance: Autosomal dominant inheritance. Observed: 1 variant allele, 1 heterozygote.
Comment: This study involves interpretation of variants in research participants for the purpose of population health screening. Participant phenotype was not available at the time of variant classification. Additional details can be found in publication PMID: 35346344, PMCID: PMC8962531

Color Diagnostics, LLC DBA Color Health
Classification: Likely benign for Hereditary cancer-predisposing syndrome. Last evaluated: 2018-06-25. Review status: criteria provided, single submitter. Criteria: ACMG Guidelines, 2015. Collection method: clinical testing. Allele origin: germline.

Ambry Genetics
Classification: Likely benign for Hereditary cancer-predisposing syndrome. Last evaluated: 2016-10-28. Review status: criteria provided, single submitter. Criteria: Ambry Variant Classification Scheme 2023. Collection method: clinical testing. Allele origin: germline.

NM_004329.3(BMPR1A):c.1479A>G (p.Leu493=)

Gene: BMPR1A (bone morphogenetic protein receptor type 1A; plus strand). Cytogenetic location: 10q23.2.
Variant type: single nucleotide variant.
Coding change: c.1479A>G on transcript NM_004329.3 (MANE Select); coding-DNA position 1479, A replaced by G.
Protein change: p.Leu493=; no amino-acid change (leucine 493 retained).
Molecular consequence: synonymous variant.
Genome position (GRCh38, 1-based): chr10:86,923,599, A>G. VCF-style: chr10-86923599-A-G. GRCh37 (hg19) VCF-style: chr10-88683356-A-G.
Identifiers: ClinVar variation 482850 (VCV000482850.18), dbSNP rs1554891640, ClinGen allele CA470308800.